The following is an entry in ClinVar:

ClinVar aggregate classification (germline): Benign. Review status: criteria provided, multiple submitters, no conflicts (2 of 4 stars). 6 submissions from 3 submitters: Benign (6). Last evaluated 2021-05-22.

Conditions:
Krabbe disease due to saposin A deficiency. Also called: Saposin A Deficiency; KRABBE DISEASE, ATYPICAL, DUE TO SAPOSIN A DEFICIENCY. Identifiers: Orphanet 487, MedGen C2673266, MONDO:0012720, OMIM 611722.
Combined PSAP deficiency (PSAPD). Also called: COMBINED SAP DEFICIENCY; PROSAPOSIN DEFICIENCY; Encephalopathy due to prosaposin deficiency. Identifiers: Orphanet 139406, MedGen C2673635, MONDO:0012719, OMIM 611721.
Gaucher disease due to saposin C deficiency. Also called: Atypical Gaucher disease due to saposin C deficiency; Saposin C Deficiency. Identifiers: Orphanet 309252, Orphanet 355, MedGen C1864651, MONDO:0012517, OMIM 610539.
Sphingolipid activator protein 1 deficiency. Also called: Saposin B Deficiency; METACHROMATIC LEUKODYSTROPHY DUE TO CEREBROSIDE SULFATASE ACTIVATOR DEFICIENCY; Metachromatic leukodystrophy due to saposin B deficiency. Identifiers: Orphanet 512, MedGen C0268262, MONDO:0009590, OMIM 249900.

Allele frequency attached by ClinVar (database versions not stated): gnomAD exomes 0.00157; gnomAD 0.01440; 1000 Genomes Project 30x 0.01686; TOPMed 0.01696; 1000 Genomes Project 0.01737.
gnomAD v4.1: 2,553 of 346,624 alleles (0.74%); highest among the groups gnomAD compares: African/African-American, 5.1%; 56 homozygotes.

Submissions (6):

GeneDx
Classification: Benign. Last evaluated: 2021-05-22. Review status: criteria provided, single submitter. Criteria: GeneDx Variant Classification Process June 2021. Collection method: clinical testing. Allele origin: germline. Affected: yes.

Illumina Laboratory Services, Illumina
Classification: Benign for Combined PSAP deficiency. Last evaluated: 2018-01-13. Review status: criteria provided, single submitter. Criteria: ICSL Variant Classification Criteria 13 December 2019. Collection method: clinical testing. Allele origin: germline.
Comment: This variant was observed in the ICSL laboratory as part of a predisposition screen in an ostensibly healthy population. It had not been previously curated by ICSL or reported in the Human Gene Mutation Database (HGMD: prior to June 1st, 2018), and was therefore a candidate for classification through an automated scoring system. Utilizing variant allele frequency, disease prevalence and penetrance estimates, and inheritance mode, an automated score was calculated to assess if this variant is too frequent to cause the disease. Based on the score and internal cut-off values, a variant classified as benign is not then subjected to further curation. The score for this variant resulted in a classification of benign for this disease.

Illumina Laboratory Services, Illumina
Classification: Benign for Krabbe disease due to saposin A deficiency. Last evaluated: 2018-01-13. Review status: criteria provided, single submitter. Criteria: ICSL Variant Classification Criteria 13 December 2019. Collection method: clinical testing. Allele origin: germline.
Comment: the same text as in the submission from Illumina Laboratory Services, Illumina above.

Illumina Laboratory Services, Illumina
Classification: Benign for Sphingolipid activator protein 1 deficiency. Last evaluated: 2018-01-13. Review status: criteria provided, single submitter. Criteria: ICSL Variant Classification Criteria 13 December 2019. Collection method: clinical testing. Allele origin: germline.
Comment: the same text as in the submission from Illumina Laboratory Services, Illumina above.

Illumina Laboratory Services, Illumina
Classification: Benign for Gaucher disease due to saposin C deficiency. Last evaluated: 2018-01-13. Review status: criteria provided, single submitter. Criteria: ICSL Variant Classification Criteria 13 December 2019. Collection method: clinical testing. Allele origin: germline.
Comment: the same text as in the submission from Illumina Laboratory Services, Illumina above.

Breakthrough Genomics
Classification: Benign. Review status: criteria provided, single submitter. Criteria: ACMG Guidelines, 2015. Collection method: not provided. Allele origin: germline. Inheritance: Autosomal recessive inheritance. Affected: yes.

NM_002778.4(PSAP):c.*775G>A

Gene: PSAP (prosaposin; minus strand). Cytogenetic location: 10q22.1.
Variant type: single nucleotide variant.
Coding change: c.*775G>A on transcript NM_002778.4 (MANE Select); 775 bases downstream of the stop codon, G replaced by A.
Molecular consequence: 3 prime UTR variant.
Genome position (GRCh38, 1-based): chr10:71,816,666, C>T on the plus strand (G>A on the coding strand, the complement: PSAP is on the minus strand). VCF-style: chr10-71816666-C-T. GRCh37 (hg19) VCF-style: chr10-73576423-C-T.
Other names: c.*775G>A (NM_001042465.3, NM_001042466.3).
Identifiers: ClinVar variation 300500 (VCV000300500.7), dbSNP rs79662404, ClinGen allele CA10635732.
Genomic context (GRCh38, chr10:71,816,666, plus strand): 5'-GTGCAGGCTGAAGCAGCGCCTCAACAGCCAGGGACATGTAGGCAACACGAGCAGGCACAG[C>T]GCGGCCACCACTGTCCACACGCTCACACAAGCCAGGCCCGCAGGGCCTTCGGAGAGCTAG-3'